The following is an entry in ClinVar:

NM_003737.4(DCHS1):c.6804C>T (p.Ile2268=)

Gene: DCHS1 (dachsous cadherin-related 1; minus strand). Cytogenetic location: 11p15.4.
Variant type: single nucleotide variant.
Coding change: c.6804C>T on transcript NM_003737.4 (MANE Select); coding-DNA position 6804, C replaced by T.
Protein change: p.Ile2268=; no amino-acid change (isoleucine 2268 retained).
Molecular consequence: synonymous variant.
Genome position (GRCh38, 1-based): chr11:6,625,655, G>A on the plus strand (C>T on the coding strand, the complement: DCHS1 is on the minus strand). VCF-style: chr11-6625655-G-A. GRCh37 (hg19) VCF-style: chr11-6646886-G-A.
Other names: c.6804C>T (NM_003737.3).
Identifiers: ClinVar variation 1673408 (VCV001673408.10), dbSNP rs200715455, ClinGen allele CA5859767.

ClinVar aggregate classification (germline): Likely benign. Review status: criteria provided, single submitter (1 of 4 stars). 2 submissions from 2 submitters: Likely benign (1). 1 of the submissions does not count toward it. Last evaluated 2025-12-24.

Conditions:
DCHS1-related disorder. Also called: DCHS1-related condition.

Allele frequency attached by ClinVar (database versions not stated): gnomAD exomes 0.00007 and 0.00020; gnomAD 0.00008 and 0.00015; TOPMed 0.00008; ExAC 0.00012; 1000 Genomes Project 0.00040; 1000 Genomes Project 30x 0.00047.
gnomAD v4.1: 138 of 1,613,462 alleles (0.0086%); highest among the groups gnomAD compares: East Asian, 0.12%; no homozygotes.

Submissions (2):

Labcorp Genetics (formerly Invitae), Labcorp
Classification: Likely benign. Last evaluated: 2025-12-24. Review status: criteria provided, single submitter. Criteria: Invitae Variant Classification Sherloc (09022015). Collection method: clinical testing. Allele origin: germline.

PreventionGenetics, part of Exact Sciences
Classification: Likely benign for DCHS1-related condition. Last evaluated: 2019-04-15. Review status: no assertion criteria provided. Collection method: clinical testing. Allele origin: germline. Not counted in ClinVar's aggregate classification.
Comment: This variant is classified as likely benign based on ACMG/AMP sequence variant interpretation guidelines (Richards et al. 2015 PMID: 25741868, with internal and published modifications).